The following is an entry in ClinVar:

ClinVar aggregate classification (germline): Uncertain significance. Review status: criteria provided, multiple submitters, no conflicts (2 of 4 stars). 2 submissions from 2 submitters: Uncertain significance (2). Last evaluated 2025-05-11.

Conditions:
Hereditary cancer-predisposing syndrome. Also called: Neoplastic Syndromes, Hereditary; Tumor predisposition; Hereditary neoplastic syndrome; Hereditary Cancer Syndrome. Identifiers: Orphanet 140162, MedGen C0027672, MeSH D009386, MONDO:0015356.
Neuroblastoma, susceptibility to, 3. Also called: ALK-Related Neuroblastic Tumor Susceptibility. Identifiers: Orphanet 635, MedGen C2751681, MONDO:0013083, OMIM 613014.

Allele frequency attached by ClinVar (database versions not stated): gnomAD 0.00001; gnomAD exomes below 0.00001.
gnomAD v4.1: 3 of 1,614,102 alleles (0.00019%); highest among the groups gnomAD compares: African/African-American, 0.004%; no homozygotes.

Submissions (2):

Ambry Genetics
Classification: Uncertain significance for Hereditary cancer-predisposing syndrome. Last evaluated: 2025-05-11. Review status: criteria provided, single submitter. Criteria: Ambry Variant Classification Scheme 2023. Collection method: clinical testing. Allele origin: germline.
Comment: The p.R579K variant (also known as c.1736G>A), located in coding exon 9 of the ALK gene, results from a G to A substitution at nucleotide position 1736. The arginine at codon 579 is replaced by lysine, an amino acid with highly similar properties. This amino acid position is conserved. In addition, this alteration is predicted to be tolerated by in silico analysis. Based on the available evidence, the clinical significance of this variant remains unclear.

Labcorp Genetics (formerly Invitae), Labcorp
Classification: Uncertain significance for Neuroblastoma, susceptibility to, 3. Last evaluated: 2023-11-08. Review status: criteria provided, single submitter. Criteria: Invitae Variant Classification Sherloc (09022015). Collection method: clinical testing. Allele origin: germline.
Comment: This sequence change replaces arginine, which is basic and polar, with lysine, which is basic and polar, at codon 579 of the ALK protein (p.Arg579Lys). This variant is present in population databases (no rsID available, gnomAD 0.02%). This variant has not been reported in the literature in individuals affected with ALK-related conditions. An algorithm developed to predict the effect of missense changes on protein structure and function (PolyPhen-2) suggests that this variant is likely to be disruptive. In summary, the available evidence is currently insufficient to determine the role of this variant in disease. Therefore, it has been classified as a Variant of Uncertain Significance.

NM_004304.5(ALK):c.1736G>A (p.Arg579Lys)

Gene: ALK (ALK receptor tyrosine kinase; minus strand). Cytogenetic location: 2p23.2.
Variant type: single nucleotide variant.
Coding change: c.1736G>A on transcript NM_004304.5 (MANE Select); coding-DNA position 1736, G replaced by A.
Protein change: p.Arg579Lys; replaces arginine 579 with lysine.
Molecular consequence: missense variant.
Genome position (GRCh38, 1-based): chr2:29,296,969, C>T on the plus strand (G>A on the coding strand, the complement: ALK is on the minus strand). VCF-style: chr2-29296969-C-T. GRCh37 (hg19) VCF-style: chr2-29519835-C-T.
Other names: c.1736G>A (NM_004304.4); short protein forms R579K.
Identifiers: ClinVar variation 2890801 (VCV002890801.4), dbSNP rs1258283302, ClinGen allele CA346466236.
Genomic context (GRCh38, chr2:29,296,969, plus strand): 5'-GGCAACACCATCCACTGCCACAGGCTCAAGCCTTCATAGGCGGCGACATGCCAGACCATC[C>T]TGCCTTGCTCCTTCCCGGTTTTGTTCTCCACTAGCACCAAGGACACGTTTCCCCTCAAGA-3'
Protein context (NP_004295.2, residues 569-589): VENKTGKEQG[Arg579Lys]MVWHVAAYEG